The following is an entry in ClinVar:

NM_001010898.4(SLC6A17):c.2036A>G (p.Lys679Arg)

Gene: SLC6A17 (solute carrier family 6 member 17; plus strand). Cytogenetic location: 1p13.3.
Variant type: single nucleotide variant.
Coding change: c.2036A>G on transcript NM_001010898.4 (MANE Select); coding-DNA position 2036, A replaced by G.
Protein change: p.Lys679Arg; replaces lysine 679 with arginine.
Molecular consequence: missense variant.
Genome position (GRCh38, 1-based): chr1:110,198,296, A>G. VCF-style: chr1-110198296-A-G. GRCh37 (hg19) VCF-style: chr1-110740918-A-G.
Other names: NC_000001.10:g.110740918A>G; short protein forms K679R.
Identifiers: ClinVar variation 376873 (VCV000376873.37), dbSNP rs41313405, ClinGen allele CA998340.

ClinVar aggregate classification (germline): Benign/Likely benign. Review status: criteria provided, multiple submitters, no conflicts (2 of 4 stars). 5 submissions from 5 submitters: Benign (2); Likely benign (3). Last evaluated 2026-09-01.

Conditions:
Intellectual developmental disorder, autosomal recessive 48. Also called: Progressive essential tremor-speech impairment-facial dysmorphism-intellectual disability-abnormal behavior syndrome. Identifiers: Orphanet 457212, MedGen C4225395, MONDO:0014559, OMIM 616269.

Allele frequency attached by ClinVar (database versions not stated): gnomAD 0.00580 and 0.00603; ExAC 0.00534; 1000 Genomes Project 0.00220; TOPMed 0.00253; 1000 Genomes Project 30x 0.00203; ESP Exome Variant Server 0.00331; gnomAD exomes 0.00377 and 0.00561.

Submissions (17):

CeGaT Center for Human Genetics Tuebingen
Classification: Likely benign. Last evaluated: 2026-09-01. Review status: criteria provided, single submitter. Criteria: CeGaT Center For Human Genetics Tuebingen Variant Classification Criteria Version 2. Collection method: clinical testing. Allele origin: germline. Affected: yes. Observed: 49 variant alleles.
Comment: SLC6A17: PP2, BS2

Genome-Nilou Lab
Classification: Benign for Intellectual developmental disorder, autosomal recessive 48. Last evaluated: 2023-04-11. Review status: criteria provided, single submitter. Criteria: ACMG Guidelines, 2015. Collection method: clinical testing. Allele origin: germline. Affected: no.

Labcorp Genetics (formerly Invitae), Labcorp
Classification: Benign. Last evaluated: 2019-12-31. Review status: criteria provided, single submitter. Criteria: Invitae Variant Classification Sherloc (09022015). Collection method: clinical testing. Allele origin: germline.

Center for Pediatric Genomic Medicine, Children's Mercy Hospital and Clinics
Classification: Likely benign. Last evaluated: 2016-11-07. Review status: criteria provided, single submitter. Criteria: ACMG Guidelines, 2015. Collection method: clinical testing. Allele origin: germline.
ClinVar note: Converted during submission from Likely Benign to Likely benign.

Breakthrough Genomics
Classification: Likely benign. Review status: criteria provided, single submitter. Criteria: ACMG Guidelines, 2015. Collection method: not provided. Allele origin: germline. Inheritance: Autosomal recessive inheritance. Affected: yes.

Dr. Peter K. Rogan Lab, Western University
No classification provided (evidence only). Condition: Lung cancer. Review status: no classification provided. Collection method: in vitro. Allele origin: not applicable. Functional consequence: retained intron. Not counted in ClinVar's aggregate classification.

Dr. Peter K. Rogan Lab, Western University
No classification provided (evidence only). Condition: Malignant tumor of urinary bladder. Review status: no classification provided. Collection method: in vitro. Allele origin: not applicable. Functional consequence: retained intron. Not counted in ClinVar's aggregate classification.

Dr. Peter K. Rogan Lab, Western University
No classification provided (evidence only). Condition: Melanoma. Review status: no classification provided. Collection method: in vitro. Allele origin: not applicable. Functional consequence: retained intron. Not counted in ClinVar's aggregate classification.

Dr. Peter K. Rogan Lab, Western University
No classification provided (evidence only). Condition: Familial cancer of breast. Review status: no classification provided. Collection method: in vitro. Allele origin: not applicable. Functional consequence: retained intron. Not counted in ClinVar's aggregate classification.

Dr. Peter K. Rogan Lab, Western University
No classification provided (evidence only). Condition: Malignant tumor of urinary bladder. Review status: no classification provided. Collection method: in vitro. Allele origin: not applicable. Functional consequence: retained intron. Not counted in ClinVar's aggregate classification.

Dr. Peter K. Rogan Lab, Western University
No classification provided (evidence only). Condition: Clear cell carcinoma of kidney. Review status: no classification provided. Collection method: in vitro. Allele origin: not applicable. Functional consequence: retained intron. Not counted in ClinVar's aggregate classification.

Dr. Peter K. Rogan Lab, Western University
No classification provided (evidence only). Condition: Nonpapillary renal cell carcinoma. Review status: no classification provided. Collection method: in vitro. Allele origin: not applicable. Functional consequence: retained intron. Not counted in ClinVar's aggregate classification.

Dr. Peter K. Rogan Lab, Western University
No classification provided (evidence only). Condition: Ovarian serous cystadenocarcinoma. Review status: no classification provided. Collection method: in vitro. Allele origin: not applicable. Functional consequence: retained intron. Not counted in ClinVar's aggregate classification.

Dr. Peter K. Rogan Lab, Western University
No classification provided (evidence only). Condition: Lung cancer. Review status: no classification provided. Collection method: in vitro. Allele origin: not applicable. Functional consequence: retained intron. Not counted in ClinVar's aggregate classification.

Dr. Peter K. Rogan Lab, Western University
No classification provided (evidence only). Condition: Lung cancer. Review status: no classification provided. Collection method: in vitro. Allele origin: not applicable. Functional consequence: retained intron. Not counted in ClinVar's aggregate classification.

Dr. Peter K. Rogan Lab, Western University
No classification provided (evidence only). Condition: Ovarian serous cystadenocarcinoma. Review status: no classification provided. Collection method: in vitro. Allele origin: not applicable. Functional consequence: retained intron. Not counted in ClinVar's aggregate classification.

Dr. Peter K. Rogan Lab, Western University
No classification provided (evidence only). Condition: Lymphoma. Review status: no classification provided. Collection method: in vitro. Allele origin: not applicable. Functional consequence: retained intron. Not counted in ClinVar's aggregate classification.